The following is an entry in ClinVar:

NM_001369.3(DNAH5):c.9399T>A (p.Tyr3133Ter)

Gene: DNAH5 (dynein axonemal heavy chain 5; minus strand). Cytogenetic location: 5p15.2.
Variant type: single nucleotide variant.
Coding change: c.9399T>A on transcript NM_001369.3 (MANE Select); coding-DNA position 9399, T replaced by A.
Protein change: p.Tyr3133Ter; replaces tyrosine 3133 with a stop codon.
Molecular consequence: nonsense.
Genome position (GRCh38, 1-based): chr5:13,770,955, A>T on the plus strand (T>A on the coding strand, the complement: DNAH5 is on the minus strand). VCF-style: chr5-13770955-A-T. GRCh37 (hg19) VCF-style: chr5-13771064-A-T.
Other names: short protein forms Y3133*.
Identifiers: ClinVar variation 1070339 (VCV001070339.7), dbSNP rs1753258436, ClinGen allele CA359205312.

ClinVar aggregate classification (germline): Pathogenic (1 of 4 stars; one submission).

Conditions:
Primary ciliary dyskinesia. Also called: Ciliary dyskinesia. Identifiers: Orphanet 244, MedGen C0008780, MONDO:0016575, HP:0012265.

gnomAD v4.1: 3 of 1,613,910 alleles (0.00019%); highest among the groups gnomAD compares: Non-Finnish European, 0.00025%; no homozygotes.

Submission:

Labcorp Genetics (formerly Invitae), Labcorp
Classification: Pathogenic for Primary ciliary dyskinesia. Last evaluated: 2023-06-09. Review status: criteria provided, single submitter. Criteria: Invitae Variant Classification Sherloc (09022015). Collection method: clinical testing. Allele origin: germline.
Comment: For these reasons, this variant has been classified as Pathogenic. ClinVar contains an entry for this variant (Variation ID: 1070339). This variant has not been reported in the literature in individuals affected with DNAH5-related conditions. This variant is not present in population databases (gnomAD no frequency). This sequence change creates a premature translational stop signal (p.Tyr3133*) in the DNAH5 gene. It is expected to result in an absent or disrupted protein product. Loss-of-function variants in DNAH5 are known to be pathogenic (PMID: 11788826, 16627867).

Literature cited by the submitters: PubMed 11788826; PubMed 16627867.